The following is an entry in ClinVar:

ClinVar aggregate classification (germline): Uncertain significance (1 of 4 stars; one submission).

Submission:

Labcorp Genetics (formerly Invitae), Labcorp
Classification: Uncertain significance. Last evaluated: 2022-06-17. Review status: criteria provided, single submitter. Criteria: Invitae Variant Classification Sherloc (09022015). Collection method: clinical testing. Allele origin: germline.
Comment: In summary, the available evidence is currently insufficient to determine the role of this variant in disease. Therefore, it has been classified as a Variant of Uncertain Significance. Advanced modeling of protein sequence and biophysical properties (such as structural, functional, and spatial information, amino acid conservation, physicochemical variation, residue mobility, and thermodynamic stability) performed at Invitae indicates that this missense variant is expected to disrupt LRP2 protein function. This variant has not been reported in the literature in individuals affected with LRP2-related conditions. This variant is not present in population databases (gnomAD no frequency). This sequence change replaces glycine, which is neutral and non-polar, with arginine, which is basic and polar, at codon 136 of the LRP2 protein (p.Gly136Arg).

NM_004525.3(LRP2):c.406G>A (p.Gly136Arg)

Gene: LRP2 (LDL receptor related protein 2; minus strand). Cytogenetic location: 2q31.1.
Variant type: single nucleotide variant.
Coding change: c.406G>A on transcript NM_004525.3 (MANE Select); coding-DNA position 406, G replaced by A.
Protein change: p.Gly136Arg; replaces glycine 136 with arginine.
Molecular consequence: missense variant.
Genome position (GRCh38, 1-based): chr2:169,307,302, C>T on the plus strand (G>A on the coding strand, the complement: LRP2 is on the minus strand). VCF-style: chr2-169307302-C-T. GRCh37 (hg19) VCF-style: chr2-170163812-C-T.
Other names: short protein forms G136R.
Identifiers: ClinVar variation 2007674 (VCV002007674.4), dbSNP rs2528617172, ClinGen allele CA349168302.